The following is an entry in ClinVar:

ClinVar aggregate classification (germline): Uncertain significance (1 of 4 stars; one submission).

Conditions:
Inborn genetic diseases. Identifiers: MedGen C0950123, MeSH D030342.

Submission:

Ambry Genetics
Classification: Uncertain significance for Inborn genetic diseases. Last evaluated: 2025-03-17. Review status: criteria provided, single submitter. Criteria: Ambry Variant Classification Scheme 2023. Collection method: clinical testing. Allele origin: germline.
Comment: The p.E264D variant (also known as c.792G>T), located in coding exon 5 of the MECOM gene, results from a G to T substitution at nucleotide position 792. The glutamic acid at codon 264 is replaced by aspartic acid, an amino acid with highly similar properties. This amino acid position is conserved. In addition, this alteration is predicted to be tolerated by in silico analysis. Based on the available evidence, the clinical significance of this variant remains unclear.

NM_004991.4(MECOM):c.792G>T (p.Glu264Asp)

Gene: MECOM (MDS1 and EVI1 complex locus; minus strand). Cytogenetic location: 3q26.2.
Variant type: single nucleotide variant.
Coding change: c.792G>T on transcript NM_004991.4 (MANE Select); coding-DNA position 792, G replaced by T.
Protein change: p.Glu264Asp; replaces glutamic acid 264 with aspartic acid.
Molecular consequence: missense variant.
Genome position (GRCh38, 1-based): chr3:169,127,882, C>A on the plus strand (G>T on the coding strand, the complement: MECOM is on the minus strand). VCF-style: chr3-169127882-C-A. GRCh37 (hg19) VCF-style: chr3-168845670-C-A.
Other names: c.228G>T, p.Glu76Asp (NM_001366472.2, NM_001366474.2, NM_005241.4 and 9 more transcripts); c.792G>T, p.Glu264Asp (NM_001366473.2, NM_001366466.2); c.420G>T, p.Glu140Asp (NM_001105077.4); short protein forms E140D, E264D, E76D.
Identifiers: ClinVar variation 4053073 (VCV004053073.1).